The following is an entry in ClinVar:

NM_000466.3(PEX1):c.253G>T (p.Gly85Ter)

Gene: PEX1 (peroxisomal biogenesis factor 1; minus strand). Cytogenetic location: 7q21.2.
Variant type: single nucleotide variant.
Coding change: c.253G>T on transcript NM_000466.3 (MANE Select); coding-DNA position 253, G replaced by T.
Protein change: p.Gly85Ter; replaces glycine 85 with a stop codon.
Molecular consequence: nonsense. On other transcripts: 5 prime UTR variant (1).
Genome position (GRCh38, 1-based): chr7:92,522,122, C>A on the plus strand (G>T on the coding strand, the complement: PEX1 is on the minus strand). VCF-style: chr7-92522122-C-A. GRCh37 (hg19) VCF-style: chr7-92151436-C-A.
Other names: c.253G>T, p.Gly85Ter (NM_001282677.2); c.-407G>T (NM_001282678.2); short protein forms G85*.
Identifiers: ClinVar variation 1725086 (VCV001725086.3), dbSNP rs2484712710, ClinGen allele CA368204730.
Genomic context (GRCh38, chr7:92,522,122, plus strand): 5'-GTGATATTAGAAGAAAGTTATTGCCATCACATGTGCTTACCTGTCCCCCATTTGAGAGTC[C>A]AAGTTTTTGACCAACTTGTCTGTTAATTTCAGCCACATTTTCACCTTGATCACTAAAATG-3'

ClinVar aggregate classification (germline): Likely pathogenic (1 of 4 stars; one submission).

Conditions:
Peroxisome biogenesis disorder. Identifiers: Orphanet 79189, MedGen C1832200, MONDO:0019234. Disease mechanism: loss of function.

Submission:

Myriad Genetics, Inc.
Classification: Likely pathogenic for Peroxisome biogenesis disorder. Last evaluated: 2022-03-08. Review status: criteria provided, single submitter. Criteria: Myriad Autosomal Dominant, Autosomal Recessive and X-Linked Classification Criteria (2023). Collection method: clinical testing. Allele origin: unknown.
Comment: NM_000466.2(PEX1):c.253G>T(G85*) is expected to be pathogenic in the context of peroxisome biogenesis disorder type 1. This variant is predicted to lead to an abnormal or absent protein product due to the creation of a premature termination codon in PEX1, a gene where loss-of-function variants are known to be pathogenic. Please note: this variant was assessed in the context of healthy population screening.